The following is an entry in ClinVar:

ClinVar aggregate classification (germline): Pathogenic/Likely pathogenic. Review status: criteria provided, multiple submitters, no conflicts (2 of 4 stars). 3 submissions from 3 submitters: Pathogenic (1); Likely pathogenic (2). Last evaluated 2023-04-24.

Conditions:
USH2A-related disorder. Also called: USH2A-related condition; USH2A-related disorders. Identifiers: MedGen CN239332.
Retinitis pigmentosa 39 (RP39). Identifiers: Orphanet 791, MedGen C3151138, MONDO:0013436, OMIM 613809.

Submissions (3):

Labcorp Genetics (formerly Invitae), Labcorp
Classification: Pathogenic. Last evaluated: 2023-04-24. Review status: criteria provided, single submitter. Criteria: Invitae Variant Classification Sherloc (09022015). Collection method: clinical testing. Allele origin: germline.
Comment: For these reasons, this variant has been classified as Pathogenic. This variant has not been reported in the literature in individuals affected with USH2A-related conditions. This variant is not present in population databases (gnomAD no frequency). This sequence change creates a premature translational stop signal (p.Cys3852*) in the USH2A gene. It is expected to result in an absent or disrupted protein product. Loss-of-function variants in USH2A are known to be pathogenic (PMID: 10729113, 10909849, 20507924, 25649381).

Baylor Genetics
Classification: Likely pathogenic for Retinitis pigmentosa 39. Last evaluated: 2022-02-23. Review status: criteria provided, single submitter. Criteria: ACMG Guidelines, 2015. Collection method: clinical testing. Allele origin: unknown.

Blueprint Genetics
Classification: Likely pathogenic for USH2A-related disorders. Last evaluated: 2021-12-28. Review status: criteria provided, single submitter. Criteria: ACMG Guidelines, 2015. Collection method: clinical testing. Allele origin: germline. Affected: yes. Observed: 1 variant allele.

Literature cited by the submitters: PubMed 10729113 (cited by Labcorp Genetics (formerly Invitae), Labcorp); PubMed 10909849 (cited by Labcorp Genetics (formerly Invitae), Labcorp); PubMed 20507924 (cited by Labcorp Genetics (formerly Invitae), Labcorp); PubMed 25649381 (cited by Labcorp Genetics (formerly Invitae), Labcorp).

NM_206933.4(USH2A):c.11556T>A (p.Cys3852Ter)

Gene: USH2A (usherin; minus strand). Cytogenetic location: 1q41.
Variant type: single nucleotide variant.
Coding change: c.11556T>A on transcript NM_206933.4 (MANE Select); coding-DNA position 11556, T replaced by A.
Protein change: p.Cys3852Ter; replaces cysteine 3852 with a stop codon.
Molecular consequence: nonsense.
Genome position (GRCh38, 1-based): chr1:215,741,530, A>T on the plus strand (T>A on the coding strand, the complement: USH2A is on the minus strand). VCF-style: chr1-215741530-A-T. GRCh37 (hg19) VCF-style: chr1-215914872-A-T.
Other names: short protein forms C3852*.
Identifiers: ClinVar variation 2679569 (VCV002679569.5), dbSNP rs2465067786, ClinGen allele CA344834011.